The following is an entry in ClinVar:

NM_207361.6(FREM2):c.2987T>A (p.Val996Asp)

Gene: FREM2 (FRAS1 related extracellular matrix 2; plus strand). Cytogenetic location: 13q13.3.
Variant type: single nucleotide variant.
Coding change: c.2987T>A on transcript NM_207361.6 (MANE Select); coding-DNA position 2987, T replaced by A.
Protein change: p.Val996Asp; replaces valine 996 with aspartic acid.
Molecular consequence: missense variant.
Genome position (GRCh38, 1-based): chr13:38,690,331, T>A. VCF-style: chr13-38690331-T-A. GRCh37 (hg19) VCF-style: chr13-39264468-T-A.
Other names: p.Val996Asp; c.2987T>A (NM_207361.5, NM_207361.4); short protein forms V996D.
Identifiers: ClinVar variation 1468169 (VCV001468169.16), dbSNP rs138416277, ClinGen allele CA6954707.

ClinVar aggregate classification (germline): Uncertain significance. Review status: criteria provided, multiple submitters, no conflicts (2 of 4 stars). 6 submissions from 6 submitters: Uncertain significance (6). Last evaluated 2026-05-12.

Conditions:
Isolated cryptophthalmia. Also called: Cryptophthalmos, unilateral or bilateral, isolated; ANKYLOBLEPHARON, SIMPLE. Identifiers: Orphanet 91396, MedGen C1852453, MONDO:0007410, OMIM 123570.
Fraser syndrome 2 (FRASRS2). Identifiers: MedGen C4540036, MONDO:0054738, OMIM 617666.
FREM2-related disorder. Also called: FREM2-related condition.
Inborn genetic diseases. Identifiers: MedGen C0950123, MeSH D030342.

Allele frequency attached by ClinVar (database versions not stated): ExAC 0.00014; TOPMed 0.00014; gnomAD 0.00015 and 0.00016; gnomAD exomes 0.00019 and 0.00034; ESP Exome Variant Server 0.00031.

Submissions (6):

PreventionGenetics, part of Exact Sciences
Classification: Uncertain significance for FREM2-related condition. Last evaluated: 2026-05-12. Review status: criteria provided, single submitter. Criteria: ACMG Guidelines, 2015. Collection method: clinical testing. Allele origin: germline.
Comment: The FREM2 c.2987T>A variant is predicted to result in the amino acid substitution p.Val996Asp. To our knowledge, this variant has not been reported in the literature. This variant is reported in 0.037% of alleles in individuals of European (Non-Finnish) descent in gnomAD. At this time, the clinical significance of this variant is uncertain due to the absence of conclusive functional and genetic evidence.

Ambry Genetics
Classification: Uncertain significance for Inborn genetic diseases. Last evaluated: 2025-11-07. Review status: criteria provided, single submitter. Criteria: Ambry Variant Classification Scheme 2023. Collection method: clinical testing. Allele origin: germline.

Mayo Clinic Laboratories, Mayo Clinic
Classification: Uncertain significance. Last evaluated: 2025-09-25. Review status: criteria provided, single submitter. Criteria: ACMG Guidelines, 2015. Collection method: clinical testing. Allele origin: germline. Observed: 1 variant allele.

Labcorp Genetics (formerly Invitae), Labcorp
Classification: Uncertain significance. Last evaluated: 2024-11-05. Review status: criteria provided, single submitter. Criteria: Invitae Variant Classification Sherloc (09022015). Collection method: clinical testing. Allele origin: germline.
Comment: This sequence change replaces valine, which is neutral and non-polar, with aspartic acid, which is acidic and polar, at codon 996 of the FREM2 protein (p.Val996Asp). This variant is present in population databases (rs138416277, gnomAD 0.04%). This variant has not been reported in the literature in individuals affected with FREM2-related conditions. ClinVar contains an entry for this variant (Variation ID: 1468169). Invitae Evidence Modeling of protein sequence and biophysical properties (such as structural, functional, and spatial information, amino acid conservation, physicochemical variation, residue mobility, and thermodynamic stability) indicates that this missense variant is not expected to disrupt FREM2 protein function with a negative predictive value of 80%. In summary, the available evidence is currently insufficient to determine the role of this variant in disease. Therefore, it has been classified as a Variant of Uncertain Significance.

Fulgent Genetics
Classification: Uncertain significance for Isolated cryptophthalmia; Fraser syndrome 2. Last evaluated: 2021-11-03. Review status: criteria provided, single submitter. Criteria: ACMG Guidelines, 2015. Collection method: clinical testing. Allele origin: unknown.

Revvity Omics, Revvity
Classification: Uncertain significance. Last evaluated: 2021-04-02. Review status: criteria provided, single submitter. Criteria: ACMG Guidelines, 2015. Collection method: clinical testing. Allele origin: germline.